The following is an entry in ClinVar:

NM_018646.6(TRPV6):c.78C>T (p.Val26=)

Gene: TRPV6 (transient receptor potential cation channel subfamily V member 6; minus strand). Cytogenetic location: 7q34.
Variant type: single nucleotide variant.
Coding change: c.78C>T on transcript NM_018646.6 (MANE Select); coding-DNA position 78, C replaced by T.
Protein change: p.Val26=; no amino-acid change (valine 26 retained).
Molecular consequence: synonymous variant.
Genome position (GRCh38, 1-based): chr7:142,885,559, G>A on the plus strand (C>T on the coding strand, the complement: TRPV6 is on the minus strand). VCF-style: chr7-142885559-G-A. GRCh37 (hg19) VCF-style: chr7-142583304-G-A.
Identifiers: ClinVar variation 3048151 (VCV003048151.5), dbSNP rs189078138, ClinGen allele CA4532987.

ClinVar aggregate classification (germline): Likely benign. Review status: criteria provided, multiple submitters, no conflicts (2 of 4 stars). 3 submissions from 3 submitters: Likely benign (2). 1 of the submissions does not count toward it. Last evaluated 2026-01-21.

Conditions:
TRPV6-related disorder. Also called: TRPV6-related condition.

Allele frequency attached by ClinVar (database versions not stated): 1000 Genomes Project 30x 0.00016; 1000 Genomes Project 0.00020; gnomAD 0.00023; ExAC 0.00025; TOPMed 0.00025; gnomAD exomes 0.00026; ESP Exome Variant Server 0.00031.
gnomAD v4.1: 395 of 1,562,288 alleles (0.025%); highest among the groups gnomAD compares: Middle Eastern, 0.036%; no homozygotes.

Submissions (3):

Labcorp Genetics (formerly Invitae), Labcorp
Classification: Likely benign. Last evaluated: 2026-01-21. Review status: criteria provided, single submitter. Criteria: Invitae Variant Classification Sherloc (09022015). Collection method: clinical testing. Allele origin: germline.

Blueprint Genetics
Classification: Likely benign. Last evaluated: 2024-10-08. Review status: criteria provided, single submitter. Criteria: ACMG Guidelines, 2015. Collection method: clinical testing. Allele origin: germline.

PreventionGenetics, part of Exact Sciences
Classification: Likely benign for TRPV6-related condition. Last evaluated: 2019-12-17. Review status: no assertion criteria provided. Collection method: clinical testing. Allele origin: germline. Not counted in ClinVar's aggregate classification.
Comment: This variant is classified as likely benign based on ACMG/AMP sequence variant interpretation guidelines (Richards et al. 2015 PMID: 25741868, with internal and published modifications).